The following is an entry in ClinVar:

NM_006302.3(MOGS):c.1279G>T (p.Ala427Ser)

Gene: MOGS (mannosyl-oligosaccharide glucosidase; minus strand). Cytogenetic location: 2p13.1.
Variant type: single nucleotide variant.
Coding change: c.1279G>T on transcript NM_006302.3 (MANE Select); coding-DNA position 1279, G replaced by T.
Protein change: p.Ala427Ser; replaces alanine 427 with serine.
Molecular consequence: missense variant.
Genome position (GRCh38, 1-based): chr2:74,462,510, C>A on the plus strand (G>T on the coding strand, the complement: MOGS is on the minus strand). VCF-style: chr2-74462510-C-A. GRCh37 (hg19) VCF-style: chr2-74689637-C-A.
Other names: c.961G>T, p.Ala321Ser (NM_001146158.2); short protein forms A427S, A321S.
Identifiers: ClinVar variation 858498 (VCV000858498.10), dbSNP rs760745712, ClinGen allele CA1724813.

ClinVar aggregate classification (germline): Uncertain significance (1 of 4 stars; one submission).

Conditions:
MOGS-congenital disorder of glycosylation. Also called: CDG IIb; GLUCOSIDASE I DEFICIENCY; MOGS-CDG; CDG 2B. Identifiers: Orphanet 79330, MedGen C1853736, MONDO:0011629, OMIM 606056.

Allele frequency attached by ClinVar (database versions not stated): gnomAD exomes 0.00001.

Submission:

Labcorp Genetics (formerly Invitae), Labcorp
Classification: Uncertain significance for MOGS-congenital disorder of glycosylation. Last evaluated: 2019-12-27. Review status: criteria provided, single submitter. Criteria: Invitae Variant Classification Sherloc (09022015). Collection method: clinical testing. Allele origin: germline.
Comment: In summary, the available evidence is currently insufficient to determine the role of this variant in disease. Therefore, it has been classified as a Variant of Uncertain Significance. Algorithms developed to predict the effect of missense changes on protein structure and function output the following: SIFT: "Tolerated"; PolyPhen-2: "Benign"; Align-GVGD: "Class C0". The serine amino acid residue is found in multiple mammalian species, suggesting that this missense change does not adversely affect protein function. These predictions have not been confirmed by published functional studies and their clinical significance is uncertain. This variant has not been reported in the literature in individuals with MOGS-related conditions. This variant is present in population databases (rs760745712, ExAC 0.002%). This sequence change replaces alanine with serine at codon 427 of the MOGS protein (p.Ala427Ser). The alanine residue is moderately conserved and there is a moderate physicochemical difference between alanine and serine.